The following is an entry in ClinVar:

ClinVar aggregate classification (germline): Uncertain significance. Review status: criteria provided, single submitter (1 of 4 stars). 3 submissions from 2 submitters: Uncertain significance (2). 1 of the submissions does not count toward it.

Conditions:
Transitory neonatal diabetes mellitus. Also called: Transient neonatal diabetes mellitus. Identifiers: MedGen C0342273, MONDO:0020525, HP:0008255.
Maturity-onset diabetes of the young (MODY). Also called: Maturity onset diabetes mellitus in young. Identifiers: Orphanet 552, MedGen C0342276, MONDO:0018911, HP:0004904.
Hyperinsulinemic hypoglycemia, familial, 1 (HHF1). Also called: Persistent Hyperinsulinemia Hypoglycemia of Infancy; HYPERINSULINISM, FAMILIAL, WITH PANCREATIC NESIDIOBLASTOSIS; HYPOGLYCEMIA, HYPERINSULINEMIC, OF INFANCY; NESIDIOBLASTOSIS OF PANCREAS; Persistent hyperinsulinemic hypoglycemia of infancy. Identifiers: Orphanet 276575, Orphanet 276598, MedGen C2931832, MONDO:0009734, OMIM 256450.

Submissions (3):

Clinical Genomics, Uppaluri K&H Personalized Medicine Clinic
Classification: Uncertain significance for Transitory neonatal diabetes mellitus. Review status: criteria provided, single submitter. Criteria: K & H Uppaluri Personalized Medicine Clinic Variant Classification & Assertion Criteria_Updated V.1. Collection method: research. Allele origin: unknown. Inheritance: Somatic mutation.
Comment: Mutations in ABCC8 gene are associated with both neonatal diabetes mellitus as well as MODY. Patients with this mutation may have a better response to sulfonylureas. However, no sufficient evidence is found to ascertain the role of this particular variant ( rs1057516654) in neonatal diabetes yet.

Clinical Genomics, Uppaluri K&H Personalized Medicine Clinic
Classification: Uncertain significance for Maturity-onset diabetes of the young. Review status: criteria provided, single submitter. Criteria: K & H Uppaluri Personalized Medicine Clinic Variant Classification & Assertion Criteria_Updated V.1. Collection method: research. Allele origin: unknown. Inheritance: Somatic mutation.
Comment: Mutations in ABCC8 gene are associated with both neonatal diabetes mellitus as well as MODY. Patients with this mutation may have a better response to sulfonylureas. However, no sufficient evidence is found to ascertain the role of this particular variant ( rs1057516654) in MODY yet.

Counsyl
Classification: Likely pathogenic for Hyperinsulinemic hypoglycemia, familial, 1. Last evaluated: 2016-03-18. Review status: no assertion criteria provided. Collection method: clinical testing. Allele origin: unknown. Not counted in ClinVar's aggregate classification.

Literature cited by the submitters: PubMed 16885549 (cited by Clinical Genomics, Uppaluri K&H Personalized Medicine Clinic); PubMed 21989597 (cited by Clinical Genomics, Uppaluri K&H Personalized Medicine Clinic); PubMed 27538677 (cited by Clinical Genomics, Uppaluri K&H Personalized Medicine Clinic); PubMed 18981553 (cited by Clinical Genomics, Uppaluri K&H Personalized Medicine Clinic); PubMed 32027066 (cited by Clinical Genomics, Uppaluri K&H Personalized Medicine Clinic); PubMed 16613899 (cited by Clinical Genomics, Uppaluri K&H Personalized Medicine Clinic); PubMed 18025408 (cited by Clinical Genomics, Uppaluri K&H Personalized Medicine Clinic); PubMed 32792356 (cited by Clinical Genomics, Uppaluri K&H Personalized Medicine Clinic).

NM_000352.6(ABCC8):c.795dup (p.Leu266fs)

Gene: ABCC8 (ATP binding cassette subfamily C member 8; minus strand). Cytogenetic location: 11p15.1.
Variant type: Duplication.
Coding change: c.795dup on transcript NM_000352.6 (MANE Select); coding-DNA position 795, one base duplicated (G; older notation c.795dupG).
Protein change: p.Leu266fs; shifts the reading frame from leucine 266.
Molecular consequence: frameshift variant. On other transcripts: non-coding transcript variant (1).
Genome position (GRCh38, 1-based): chr11:17,461,610, C duplicated on the plus strand (G on the coding strand, the reverse complement: ABCC8 is on the minus strand); the first of 2 consecutive C bases (chr11:17,461,610-17,461,611); duplicating either gives the same sequence. VCF-style (leftmost placement, unchanged base first): chr11-17461609-G-GC. GRCh37 (hg19) VCF-style: chr11-17483156-G-GC.
Other names: c.795dup, p.Leu266fs (NM_001287174.3, NM_001351295.2, NM_001351296.2 and 1 more transcripts); short protein forms L266fs.
Identifiers: ClinVar variation 370646 (VCV000370646.4), dbSNP rs1057516654, ClinGen allele CA16041455.
Genomic context (GRCh38, chr11:17,461,609, plus strand): 5'-AGTGAATAGATGGTGTGGCTGTGCCCCCACTGACCACCTGGGCGTCAAAGGCCTCGCAGA[G>GC]CCGTTGGTAGTTGGTGAGGGCCCTCATGGCGATGGGCAGCTTCCCGATGGCTCGCAAGTC-3'